The following is an entry in ClinVar:

ClinVar aggregate classification (germline): Benign/Likely benign. Review status: criteria provided, multiple submitters, no conflicts (2 of 4 stars). 3 submissions from 3 submitters: Benign (1); Likely benign (2). Last evaluated 2026-09-01.

Allele frequency attached by ClinVar (database versions not stated): gnomAD 0.00002 and 0.00003; 1000 Genomes Project 30x 0.00016; gnomAD exomes 0.00060; ExAC 0.00138.
gnomAD v4.1: 33 of 1,419,454 alleles (0.0023%); highest among the groups gnomAD compares: Admixed American, 0.11%; 1 homozygote.

Submissions (3):

CeGaT Center for Human Genetics Tuebingen
Classification: Likely benign. Last evaluated: 2026-09-01. Review status: criteria provided, single submitter. Criteria: CeGaT Center For Human Genetics Tuebingen Variant Classification Criteria Version 2. Collection method: clinical testing. Allele origin: germline. Affected: yes. Observed: 1 variant allele.
Comment: NDUFAF6: BP4, BP7

Labcorp Genetics (formerly Invitae), Labcorp
Classification: Benign. Last evaluated: 2025-08-18. Review status: criteria provided, single submitter. Criteria: Invitae Variant Classification Sherloc (09022015). Collection method: clinical testing. Allele origin: germline.

GeneDx
Classification: Likely benign. Last evaluated: 2020-06-10. Review status: criteria provided, single submitter. Criteria: GeneDx Variant Classification Process June 2021. Collection method: clinical testing. Allele origin: germline. Affected: yes.

NM_152416.4(NDUFAF6):c.48C>G (p.Gly16=)

Genes: NDUFAF6 (NADH:ubiquinone oxidoreductase complex assembly factor 6; plus strand), LOC113788297 (Sharpr-MPRA regulatory region 2014; plus strand). Cytogenetic location: 8q22.1.
Variant type: single nucleotide variant.
Coding change: c.48C>G on transcript NM_152416.4 (MANE Select); coding-DNA position 48, C replaced by G.
Protein change: p.Gly16=; no amino-acid change (glycine 16 retained).
Molecular consequence: synonymous variant. On other transcripts: 5 prime UTR variant (12), non-coding transcript variant (6), intron variant (7).
Genome position (GRCh38, 1-based): chr8:95,025,056, C>G. VCF-style: chr8-95025056-C-G. GRCh37 (hg19) VCF-style: chr8-96037284-C-G.
Other names: c.-233C>G (NM_001330582.2, NM_001354521.2); c.-186C>G (NM_001354517.2); c.-405C>G (NM_001354518.2); c.-401C>G (NM_001354519.2); c.-750C>G (NM_001354527.2); c.-721C>G (NM_001354528.2); c.-533C>G (NM_001354529.2); c.-635C>G (NM_001354530.2); and 8 more.
Identifiers: ClinVar variation 1208852 (VCV001208852.12), dbSNP rs772191309, ClinGen allele CA4814672.
Genomic context (GRCh38, chr8:95,025,056, plus strand): 5'-CAGTGCCGGCGTCATGGCGGCCTCCGCGCACGGCTCTGTCTGGGGGCCGTTGCGGCTTGG[C>G]ATCCCCGGCCTGTGCTGCCGCCGGCCGCCTCTGGGTCTGTACGCGCGCATGCGGCGGCTG-3'
Protein context (NP_689629.2, residues 6-26): HGSVWGPLRL[Gly16=]IPGLCCRRPP